The following is an entry in ClinVar:

NM_001378454.1(ALMS1):c.10535_10536insTGTCTTTCCAAGATTGGAA (p.Lys3512fs)

Gene: ALMS1 (ALMS1 centrosome and basal body associated protein; plus strand). Cytogenetic location: 2p13.1.
Variant type: Insertion.
Coding change: c.10535_10536insTGTCTTTCCAAGATTGGAA on transcript NM_001378454.1 (MANE Select); coding-DNA positions 10535 to 10536, TGTCTTTCCAAGATTGGAA inserted.
Protein change: p.Lys3512fs; shifts the reading frame from lysine 3512.
Molecular consequence: frameshift variant.
Genome position: GRCh38 VCF-style: chr2-73572406-C-CTTGGAATGTCTTTCCAAGA. GRCh37 (hg19) VCF-style: chr2-73799533-C-CTTGGAATGTCTTTCCAAGA.
Other names: c.10538_10539insTGTCTTTCCAAGATTGGAA, p.Lys3513fs (NM_015120.4); c.10538_10539ins19 (NM_015120.4); short protein forms K3513fs, K3512fs.
Identifiers: ClinVar variation 555447 (VCV000555447.5), dbSNP rs1220975714, ClinGen allele CA534124637.
Genomic context (GRCh38, chr2:73,572,406, plus strand): 5'-TACCAAGTGATCAAGATATTTGCCATGAATCTTTGGGAAAGAGTGTTTTCATGAGACATT[C>CTTGGAATGTCTTTCCAAGA]TTGGAAAGATTTCTTTCAGCATCATCCAGACAAACATAGAGAACACATGTGTCTTCCTCT-3'

ClinVar aggregate classification (germline): Pathogenic/Likely pathogenic. Review status: criteria provided, multiple submitters, no conflicts (2 of 4 stars). 4 submissions from 4 submitters: Pathogenic (2); Likely pathogenic (1). 1 of the submissions does not count toward it. Last evaluated 2025-05-13.

Conditions:
ALMS1-related disorder. Also called: ALMS1-related condition.
Cardiovascular phenotype. Identifiers: MedGen CN230736.
Alstrom syndrome (ALMS). Identifiers: Orphanet 64, MedGen C0268425, MONDO:0008763, OMIM 203800.

Submissions (4):

Ambry Genetics
Classification: Pathogenic for Cardiovascular phenotype. Last evaluated: 2025-05-13. Review status: criteria provided, single submitter. Criteria: Ambry Variant Classification Scheme 2023. Collection method: clinical testing. Allele origin: germline.
Comment: The c.10538_10539ins19 pathogenic mutation, located in coding exon 16 of the ALMS1 gene, results from an insertion of 19 nucleotides at position 10538, causing a translational frameshift with a predicted alternate stop codon (p.K3513Nfs*18). This variant (referred to as 10535ins(n)19) has been identified in the homozygous state and/or in conjunction with other ALMS1 variant(s) in individual(s) with features consistent with Alstrom syndrome (Collin GB et al. Nat Genet. 2002 May;31(1):74-8). This variant is considered to be rare based on population cohorts in the Genome Aggregation Database (gnomAD). This alteration is expected to result in loss of function by premature protein truncation or nonsense-mediated mRNA decay. As such, this alteration is interpreted as a disease-causing mutation.

Blueprint Genetics
Classification: Likely pathogenic for ALMS1-related disorders. Last evaluated: 2024-09-25. Review status: criteria provided, single submitter. Criteria: ACMG Guidelines, 2015. Collection method: clinical testing. Allele origin: germline. Affected: yes. Observed: 5 variant alleles.

Natera, Inc.
Classification: Pathogenic for Alstrom syndrome. Last evaluated: 2024-03-06. Review status: criteria provided, single submitter. Criteria: Natera Variant Classification Schema (03/2026). Collection method: clinical testing. Allele origin: germline.
Comment: The c.10538_10539insTGTCTTTCCAAGATTGGAA variant in ALMS1 is a frameshift variant predicted to shift the reading frame beginning at codon 3513 and leads to a stop codon 18 codons downstream. This variant is expected to result in nonsense mediated decay, truncation, or a dysfunctional protein product. This variant is rare in the general population with a frequency below the threshold expected for the associated phenotype(s). This variant has been observed in one or more individuals affected with the associated recessive disease, as either homozygous or compound heterozygous with a second variant (PMID: 30064963). Additionally, this variant has been observed to segregate in affected family members (PMID: 11941369). Given the available evidence, this variant is classified as Pathogenic.

Counsyl
Classification: Likely pathogenic for Alstrom syndrome. Last evaluated: 2017-12-05. Review status: no assertion criteria provided. Collection method: clinical testing. Allele origin: unknown. Not counted in ClinVar's aggregate classification.

Literature cited by the submitters: PubMed 11941369 (cited by 3 submitters); PubMed 30064963 (cited by Natera, Inc.).